The following is an entry in ClinVar:

ClinVar aggregate classification (germline): Uncertain significance. Review status: criteria provided, multiple submitters, no conflicts (2 of 4 stars). 2 submissions from 2 submitters: Uncertain significance (2). Last evaluated 2024-11-22.

Allele frequency attached by ClinVar (database versions not stated): gnomAD exomes 0.00008 and 0.00009; TOPMed 0.00008; gnomAD 0.00010 and 0.00011; ExAC 0.00011.
gnomAD v4.1: 152 of 1,613,976 alleles (0.0094%); highest among the groups gnomAD compares: Non-Finnish European, 0.012%; no homozygotes.

Submissions (2):

Blueprint Genetics
Classification: Uncertain significance. Last evaluated: 2024-11-22. Review status: criteria provided, single submitter. Criteria: ACMG Guidelines, 2015. Collection method: clinical testing. Allele origin: germline.

Labcorp Genetics (formerly Invitae), Labcorp
Classification: Uncertain significance. Last evaluated: 2024-05-13. Review status: criteria provided, single submitter. Criteria: Invitae Variant Classification Sherloc (09022015). Collection method: clinical testing. Allele origin: germline.
Comment: This sequence change replaces proline, which is neutral and non-polar, with histidine, which is basic and polar, at codon 980 of the ADAMTS18 protein (p.Pro980His). This variant is present in population databases (rs760098320, gnomAD 0.02%). This variant has not been reported in the literature in individuals affected with ADAMTS18-related conditions. ClinVar contains an entry for this variant (Variation ID: 959305). An algorithm developed to predict the effect of missense changes on protein structure and function (PolyPhen-2) suggests that this variant is likely to be disruptive. In summary, the available evidence is currently insufficient to determine the role of this variant in disease. Therefore, it has been classified as a Variant of Uncertain Significance.

NM_199355.4(ADAMTS18):c.2939C>A (p.Pro980His)

Gene: ADAMTS18 (ADAM metallopeptidase with thrombospondin type 1 motif 18; minus strand). Cytogenetic location: 16q23.1.
Variant type: single nucleotide variant.
Coding change: c.2939C>A on transcript NM_199355.4 (MANE Select); coding-DNA position 2939, C replaced by A.
Protein change: p.Pro980His; replaces proline 980 with histidine.
Molecular consequence: missense variant.
Genome position (GRCh38, 1-based): chr16:77,294,990, G>T on the plus strand (C>A on the coding strand, the complement: ADAMTS18 is on the minus strand). VCF-style: chr16-77294990-G-T. GRCh37 (hg19) VCF-style: chr16-77328887-G-T.
Other names: c.2423C>A, p.Pro808His (NM_001326358.2); short protein forms P980H, P808H.
Identifiers: ClinVar variation 959305 (VCV000959305.7), dbSNP rs760098320, ClinGen allele CA8180692.